The following is an entry in ClinVar:

NM_000059.4(BRCA2):c.3307_3308dup (p.Leu1103fs)

Gene: BRCA2 (BRCA2 DNA repair associated; plus strand). Cytogenetic location: 13q13.1.
Variant type: Duplication.
Coding change: c.3307_3308dup on transcript NM_000059.4 (MANE Select); coding-DNA positions 3307 to 3308, 2 bases duplicated (TT; older notation c.3307_3308dupTT).
Protein change: p.Leu1103fs; shifts the reading frame from leucine 1103.
Molecular consequence: frameshift variant.
Genome position (GRCh38, 1-based): chr13:32,337,662-32,337,663, TT duplicated; duplicating any 2 consecutive bases within chr13:32,337,661-32,337,663 gives the same sequence; the c. name uses the placement nearest the transcript's 3' end. VCF-style (leftmost placement, unchanged base first): chr13-32337660-A-ATT. GRCh37 (hg19) VCF-style: chr13-32911797-A-ATT.
Other names: c.3307_3308dupTT (NM_000059.3); short protein forms L1103fs.
Identifiers: ClinVar variation 440426 (VCV000440426.4), dbSNP rs1555283160, ClinGen allele CA645509342.

ClinVar aggregate classification (germline): Pathogenic. Review status: reviewed by expert panel (3 of 4 stars). 2 submissions from 2 submitters: Pathogenic (1). 1 of the submissions does not count toward it. Last evaluated 2017-12-15.

Conditions:
Breast-ovarian cancer, familial, susceptibility to, 2 (BROVCA2). Also called: BRCA2 Hereditary Breast and Ovarian Cancer. Identifiers: Orphanet 145, MedGen C2675520, MONDO:0012933, OMIM 612555. Disease mechanism: loss of function.

Submissions (2):

Evidence-based Network for the Interpretation of Germline Mutant Alleles (ENIGMA)
Classification: Pathogenic for Breast-ovarian cancer, familial, susceptibility to, 2. Last evaluated: 2017-12-15. Review status: reviewed by expert panel. Criteria: ENIGMA BRCA1/2 Classification Criteria (2017-06-29). Collection method: curation. Allele origin: germline. Study: ENIGMA.
Comment: Variant allele predicted to encode a truncated non-functional protein.

Department of Medical Genetics, Oslo University Hospital
Classification: Pathogenic for Breast-ovarian cancer, familial, susceptibility to, 2. Last evaluated: 2015-07-01. Review status: criteria provided, single submitter. Criteria: ACMG Guidelines, 2015. Collection method: clinical testing. Allele origin: germline. Affected: yes. Observed: 1 variant allele. Not counted in ClinVar's aggregate classification.